The following is an entry in ClinVar:

ClinVar aggregate classification (germline): Uncertain significance (1 of 4 stars; one submission).

Submission:

Labcorp Genetics (formerly Invitae), Labcorp
Classification: Uncertain significance. Last evaluated: 2024-03-26. Review status: criteria provided, single submitter. Criteria: Invitae Variant Classification Sherloc (09022015). Collection method: clinical testing. Allele origin: germline.
Comment: This sequence change replaces glutamic acid, which is acidic and polar, with glutamine, which is neutral and polar, at codon 209 of the DMRT2 protein (p.Glu209Gln). This variant is not present in population databases (gnomAD no frequency). This variant has not been reported in the literature in individuals affected with DMRT2-related conditions. An algorithm developed to predict the effect of missense changes on protein structure and function (PolyPhen-2) suggests that this variant is likely to be disruptive. In summary, the available evidence is currently insufficient to determine the role of this variant in disease. Therefore, it has been classified as a Variant of Uncertain Significance.

NM_181872.6(DMRT2):c.625G>C (p.Glu209Gln)

Gene: DMRT2 (doublesex and mab-3 related transcription factor 2; plus strand). Cytogenetic location: 9p24.3.
Variant type: single nucleotide variant.
Coding change: c.625G>C on transcript NM_181872.6 (MANE Select); coding-DNA position 625, G replaced by C.
Protein change: p.Glu209Gln; replaces glutamic acid 209 with glutamine.
Molecular consequence: missense variant. On other transcripts: 5 prime UTR variant (1), non-coding transcript variant (1).
Genome position (GRCh38, 1-based): chr9:1,053,821, G>C. VCF-style: chr9-1053821-G-C. GRCh37 (hg19) VCF-style: chr9-1053821-G-C.
Other names: c.625G>C, p.Glu209Gln (NM_001130865.3, NM_001370531.1, NM_001370533.1 and 4 more transcripts); c.103G>C, p.Glu35Gln (NM_001370532.1); c.-75G>C (NM_001387560.1); short protein forms E209Q, E35Q.
Identifiers: ClinVar variation 3618341 (VCV003618341.2).
Genomic context (GRCh38, chr9:1,053,821, plus strand): 5'-CGCAAAGCTGTGTACCAGAGGCAAGTCAGAGCCCCCAGTTTGCTGGCCAAAAGCATTTTA[G>C]AAGGTAAAGCAACAAAATTATCCTTCAGCCTTTTAAACAGAGTTGAGTGACTCTCATTAA-3'
Protein context (NP_870987.2, residues 199-219): APSLLAKSIL[Glu209Gln]GYRPIPAETY